The following is an entry in ClinVar:

ClinVar aggregate classification (germline): Likely benign. Review status: reviewed by expert panel (3 of 4 stars). 2 submissions from 2 submitters: Likely benign (1). 1 of the submissions does not count toward it. Last evaluated 2017-06-29.

Conditions:
Hereditary cancer-predisposing syndrome. Also called: Hereditary neoplastic syndrome; Hereditary Cancer Syndrome; Neoplastic Syndromes, Hereditary; Tumor predisposition. Identifiers: Orphanet 140162, MedGen C0027672, MeSH D009386, MONDO:0015356.
Breast-ovarian cancer, familial, susceptibility to, 2 (BROVCA2). Also called: BRCA2 Hereditary Breast and Ovarian Cancer. Identifiers: Orphanet 145, MedGen C2675520, MONDO:0012933, OMIM 612555. Disease mechanism: loss of function.

Allele frequency attached by ClinVar (database versions not stated): gnomAD exomes below 0.00001; ExAC 0.00001.
gnomAD v4.1: 2 of 1,614,090 alleles (0.00012%); highest among the groups gnomAD compares: Middle Eastern, 0.016%; no homozygotes.

Submissions (2):

Evidence-based Network for the Interpretation of Germline Mutant Alleles (ENIGMA)
Classification: Likely benign for Breast-ovarian cancer, familial, susceptibility to, 2. Last evaluated: 2017-06-29. Review status: reviewed by expert panel. Criteria: ENIGMA BRCA1/2 Classification Criteria (2017-06-29). Collection method: curation. Allele origin: germline.
Comment: Synonymous substitution variant, with low bioinformatic likelihood to result in a splicing aberration (Splicing prior probability 0.02).

Ambry Genetics
Classification: Likely benign for Hereditary cancer-predisposing syndrome. Last evaluated: 2022-03-01. Review status: criteria provided, single submitter. Criteria: Ambry Variant Classification Scheme 2023. Collection method: clinical testing. Allele origin: germline. Not counted in ClinVar's aggregate classification.

NM_000059.4(BRCA2):c.1171T>C (p.Leu391=)

Gene: BRCA2 (BRCA2 DNA repair associated; plus strand). Cytogenetic location: 13q13.1.
Variant type: single nucleotide variant.
Coding change: c.1171T>C on transcript NM_000059.4 (MANE Select); coding-DNA position 1171, T replaced by C.
Protein change: p.Leu391=; no amino-acid change (leucine 391 retained).
Molecular consequence: synonymous variant.
Genome position (GRCh38, 1-based): chr13:32,332,649, T>C. VCF-style: chr13-32332649-T-C. GRCh37 (hg19) VCF-style: chr13-32906786-T-C.
Identifiers: ClinVar variation 427468 (VCV000427468.5), dbSNP rs773412718, ClinGen allele CA6940495.
Genomic context (GRCh38, chr13:32,332,649, plus strand): 5'-GCAAATCAGAAGCCCTTTGAGAGTGGAAGTGACAAAATCTCCAAGGAAGTTGTACCGTCT[T>C]TGGCCTGTGAATGGTCTCAACTAACCCTTTCAGGTCTAAATGGAGCCCAGATGGAGAAAA-3'
Protein context (NP_000050.3, residues 381-401): DKISKEVVPS[Leu391=]ACEWSQLTLS